The following is an entry in ClinVar:

NM_145068.4(TRPV3):c.580G>C (p.Ala194Pro)

Gene: TRPV3 (transient receptor potential cation channel subfamily V member 3; minus strand). Cytogenetic location: 17p13.2.
Variant type: single nucleotide variant.
Coding change: c.580G>C on transcript NM_145068.4 (MANE Select); coding-DNA position 580, G replaced by C.
Protein change: p.Ala194Pro; replaces alanine 194 with proline.
Molecular consequence: missense variant.
Genome position (GRCh38, 1-based): chr17:3,542,585, C>G on the plus strand (G>C on the coding strand, the complement: TRPV3 is on the minus strand). VCF-style: chr17-3542585-C-G. GRCh37 (hg19) VCF-style: chr17-3445879-C-G.
Other names: c.580G>C, p.Ala194Pro (NM_001258205.2); short protein forms A194P.
Identifiers: ClinVar variation 3660090 (VCV003660090.2).
Genomic context (GRCh38, chr17:3,542,585, plus strand): 5'-CATAGGCCTCCTCTGTGTACTCGGCGTTGATGAACCTGCCCAGGATGTCGTTCTCTTCAG[C>G]AAAGGCAAGCAGGATCCGCACTATCTCCTTGGTGTTGGGGTTGATGTTTAACAAGGCCTT-3'
Protein context (NP_659505.1, residues 184-204): KEIVRILLAF[Ala194Pro]EENDILGRFI

ClinVar aggregate classification (germline): Uncertain significance (1 of 4 stars; one submission).

Submission:

Labcorp Genetics (formerly Invitae), Labcorp
Classification: Uncertain significance. Last evaluated: 2024-07-22. Review status: criteria provided, single submitter. Criteria: Invitae Variant Classification Sherloc (09022015). Collection method: clinical testing. Allele origin: germline.
Comment: This sequence change replaces alanine, which is neutral and non-polar, with proline, which is neutral and non-polar, at codon 194 of the TRPV3 protein (p.Ala194Pro). This variant is not present in population databases (gnomAD no frequency). This variant has not been reported in the literature in individuals affected with TRPV3-related conditions. An algorithm developed to predict the effect of missense changes on protein structure and function (PolyPhen-2) suggests that this variant is likely to be disruptive. In summary, the available evidence is currently insufficient to determine the role of this variant in disease. Therefore, it has been classified as a Variant of Uncertain Significance.